The following is an entry in ClinVar:

ClinVar aggregate classification (germline): Uncertain significance (1 of 4 stars; one submission).

Conditions:
RASopathy. Also called: Noonan spectrum disorder; rasopathies. Identifiers: Orphanet 536391, MedGen C5555857, MONDO:0021060.

Submission:

Labcorp Genetics (formerly Invitae), Labcorp
Classification: Uncertain significance for RASopathy. Last evaluated: 2024-10-01. Review status: criteria provided, single submitter. Criteria: Invitae Variant Classification Sherloc (09022015). Collection method: clinical testing. Allele origin: germline.
Comment: This sequence change replaces aspartic acid, which is acidic and polar, with asparagine, which is neutral and polar, at codon 38 of the KRAS protein (p.Asp38Asn). This variant is not present in population databases (gnomAD no frequency). This variant has not been reported in the literature in individuals affected with KRAS-related conditions. An algorithm developed to predict the effect of missense changes on protein structure and function (PolyPhen-2) suggests that this variant is likely to be disruptive. In summary, the available evidence is currently insufficient to determine the role of this variant in disease. Therefore, it has been classified as a Variant of Uncertain Significance.

NM_004985.5(KRAS):c.112G>A (p.Asp38Asn)

Gene: KRAS (KRAS proto-oncogene, GTPase; minus strand). Cytogenetic location: 12p12.1.
Variant type: single nucleotide variant.
Coding change: c.112G>A on transcript NM_004985.5 (MANE Select); coding-DNA position 112, G replaced by A.
Protein change: p.Asp38Asn; replaces aspartic acid 38 with asparagine.
Molecular consequence: missense variant.
Genome position (GRCh38, 1-based): chr12:25,227,412, C>T on the plus strand (G>A on the coding strand, the complement: KRAS is on the minus strand). VCF-style: chr12-25227412-C-T. GRCh37 (hg19) VCF-style: chr12-25380346-C-T.
Other names: c.112G>A, p.Asp38Asn (NM_001369786.1, NM_001369787.1, NM_033360.4); short protein forms D38N.
Identifiers: ClinVar variation 3721954 (VCV003721954.2).